The following is an entry in ClinVar:

NM_001330260.2(SCN8A):c.1200C>G (p.Phe400Leu)

Gene: SCN8A (sodium voltage-gated channel alpha subunit 8; plus strand). Cytogenetic location: 12q13.13.
Variant type: single nucleotide variant.
Coding change: c.1200C>G on transcript NM_001330260.2 (MANE Select); coding-DNA position 1200, C replaced by G.
Protein change: p.Phe400Leu; replaces phenylalanine 400 with leucine.
Molecular consequence: missense variant.
Genome position (GRCh38, 1-based): chr12:51,705,482, C>G. VCF-style: chr12-51705482-C-G. GRCh37 (hg19) VCF-style: chr12-52099266-C-G.
Other names: c.1200C>G, p.Phe400Leu (NM_001177984.3, NM_001369788.1, NM_014191.4); short protein forms F400L.
Identifiers: ClinVar variation 1492019 (VCV001492019.9), dbSNP rs2138748176, ClinGen allele CA385227778.

ClinVar aggregate classification (germline): Uncertain significance (1 of 4 stars; one submission).

Conditions:
Early-infantile DEE. Also called: Early infantile epileptic encephalopathy; Early infantile epileptic encephalopathy with suppression bursts; Ohtahara syndrome. Identifiers: Orphanet 1934, MedGen C0393706, MONDO:0800491.

Submission:

Labcorp Genetics (formerly Invitae), Labcorp
Classification: Uncertain significance for Early-infantile DEE. Last evaluated: 2021-07-21. Review status: criteria provided, single submitter. Criteria: Invitae Variant Classification Sherloc (09022015). Collection method: clinical testing. Allele origin: germline.
Comment: In summary, the available evidence is currently insufficient to determine the role of this variant in disease. Therefore, it has been classified as a Variant of Uncertain Significance. Algorithms developed to predict the effect of missense changes on protein structure and function are either unavailable or do not agree on the potential impact of this missense change (SIFT: "Deleterious"; PolyPhen-2: "Probably Damaging"; Align-GVGD: "Class C0"). This variant has not been reported in the literature in individuals affected with SCN8A-related conditions. This variant is not present in population databases (ExAC no frequency). This sequence change replaces phenylalanine with leucine at codon 400 of the SCN8A protein (p.Phe400Leu). The phenylalanine residue is highly conserved and there is a small physicochemical difference between phenylalanine and leucine.